The following is an entry in ClinVar:

NM_001081.4(CUBN):c.7001-2A>T

Gene: CUBN (cubilin; minus strand). Cytogenetic location: 10p13.
Variant type: single nucleotide variant.
Coding change: c.7001-2A>T on transcript NM_001081.4 (MANE Select); the canonical splice acceptor site of the intron before coding-DNA position 7001, A replaced by T.
Molecular consequence: splice acceptor variant.
Genome position (GRCh38, 1-based): chr10:16,916,032, T>A on the plus strand (A>T on the coding strand, the complement: CUBN is on the minus strand). VCF-style: chr10-16916032-T-A. GRCh37 (hg19) VCF-style: chr10-16958031-T-A.
Identifiers: ClinVar variation 850031 (VCV000850031.6), dbSNP rs2131458620, ClinGen allele CA376146983.

ClinVar aggregate classification (germline): Likely pathogenic (1 of 4 stars; one submission).

Conditions:
Imerslund-Grasbeck syndrome. Also called: Imerslund-Gräsbeck syndrome; PERNICIOUS ANEMIA, JUVENILE, DUE TO SELECTIVE INTESTINAL MALABSORPTION OF VITAMIN B12, WITH PROTEINURIA; ENTEROCYTE COBALAMIN MALABSORPTION; ENTEROCYTE INTRINSIC FACTOR RECEPTOR, DEFECT OF; Megaloblastic anemia due to inborn errors of metabolism. Identifiers: Orphanet 35858, MedGen C4551825, MONDO:0009853.

Allele frequency attached by ClinVar (database versions not stated): gnomAD exomes below 0.00001.
gnomAD v4.1: 1 of 1,611,374 alleles (0.000062%); highest among the groups gnomAD compares: Non-Finnish European, 0.000085%; no homozygotes.

Submission:

Labcorp Genetics (formerly Invitae), Labcorp
Classification: Likely pathogenic for Imerslund-Grasbeck syndrome. Last evaluated: 2023-12-22. Review status: criteria provided, single submitter. Criteria: Invitae Variant Classification Sherloc (09022015). Collection method: clinical testing. Allele origin: germline.
Comment: This sequence change affects an acceptor splice site in intron 45 of the CUBN gene. It is expected to disrupt RNA splicing. Variants that disrupt the donor or acceptor splice site typically lead to a loss of protein function (PMID: 16199547), and loss-of-function variants in CUBN are known to be pathogenic (PMID: 15024727, 22929189, 25349199, 31613795, 34979989). This variant is not present in population databases (gnomAD no frequency). This variant has not been reported in the literature in individuals affected with CUBN-related conditions. ClinVar contains an entry for this variant (Variation ID: 850031). Algorithms developed to predict the effect of sequence changes on RNA splicing suggest that this variant may disrupt the consensus splice site. In summary, the currently available evidence indicates that the variant is pathogenic, but additional data are needed to prove that conclusively. Therefore, this variant has been classified as Likely Pathogenic.

Literature cited by the submitters: PubMed 16199547; PubMed 15024727; PubMed 22929189; PubMed 25349199; PubMed 31613795; PubMed 34979989.